The following is an entry in ClinVar:

ClinVar aggregate classification (germline): Uncertain significance (1 of 4 stars; one submission).

Allele frequency attached by ClinVar (database versions not stated): ExAC 0.00004; 1000 Genomes Project 30x 0.00021; gnomAD 0.00004; 1000 Genomes Project 0.00026.
gnomAD v4.1: 38 of 1,185,342 alleles (0.0032%); highest among the groups gnomAD compares: Middle Eastern, 0.023%; no homozygotes.

Submission:

Labcorp Genetics (formerly Invitae), Labcorp
Classification: Uncertain significance. Last evaluated: 2023-06-27. Review status: criteria provided, single submitter. Criteria: Invitae Variant Classification Sherloc (09022015). Collection method: clinical testing. Allele origin: germline.
Comment: In summary, the available evidence is currently insufficient to determine the role of this variant in disease. Therefore, it has been classified as a Variant of Uncertain Significance. An algorithm developed to predict the effect of missense changes on protein structure and function (PolyPhen-2) suggests that this variant is likely to be tolerated. ClinVar contains an entry for this variant (Variation ID: 2067530). This variant has not been reported in the literature in individuals affected with CACNA1F-related conditions. This variant is present in population databases (rs201893500, gnomAD 0.01%). This sequence change replaces proline, which is neutral and non-polar, with serine, which is neutral and polar, at codon 32 of the CACNA1F protein (p.Pro32Ser).

NM_001256789.3(CACNA1F):c.94C>T (p.Pro32Ser)

Gene: CACNA1F (calcium voltage-gated channel subunit alpha1 F; minus strand). Cytogenetic location: Xp11.23.
Variant type: single nucleotide variant.
Coding change: c.94C>T on transcript NM_001256789.3 (MANE Select); coding-DNA position 94, C replaced by T.
Protein change: p.Pro32Ser; replaces proline 32 with serine.
Molecular consequence: missense variant. On other transcripts: intron variant (1).
Genome position (GRCh38, 1-based): chrX:49,231,859, G>A on the plus strand (C>T on the coding strand, the complement: CACNA1F is on the minus strand). VCF-style: chrX-49231859-G-A. GRCh37 (hg19) VCF-style: chrX-49088321-G-A.
Other names: c.94C>T, p.Pro32Ser (NM_005183.4); c.66-167C>T (NM_001256790.3); short protein forms P32S.
Identifiers: ClinVar variation 2067530 (VCV002067530.4), dbSNP rs201893500, ClinGen allele CA10411133.